The following is an entry in ClinVar:

NM_001130009.3(GEN1):c.386T>C (p.Val129Ala)

Gene: GEN1 (GEN1 Holliday junction 5' flap endonuclease; plus strand). Cytogenetic location: 2p24.2.
Variant type: single nucleotide variant.
Coding change: c.386T>C on transcript NM_001130009.3 (MANE Select); coding-DNA position 386, T replaced by C.
Protein change: p.Val129Ala; replaces valine 129 with alanine.
Molecular consequence: missense variant.
Genome position (GRCh38, 1-based): chr2:17,764,934, T>C. VCF-style: chr2-17764934-T-C. GRCh37 (hg19) VCF-style: chr2-17946201-T-C.
Other names: c.386T>C, p.Val129Ala (NM_182625.5); short protein forms V129A.
Identifiers: ClinVar variation 3519784 (VCV003519784.2).

ClinVar aggregate classification (germline): Uncertain significance (1 of 4 stars; one submission).

gnomAD v4.1: 4 of 1,614,170 alleles (0.00025%); highest among the groups gnomAD compares: South Asian, 0.0044%; no homozygotes.

Submission:

Ambry Genetics
Classification: Uncertain significance. Last evaluated: 2025-01-05. Review status: criteria provided, single submitter. Criteria: Ambry Variant Classification Scheme 2023. Collection method: clinical testing. Allele origin: germline.
Comment: The p.V129A variant (also known as c.386T>C), located in coding exon 3 of the GEN1 gene, results from a T to C substitution at nucleotide position 386. The valine at codon 129 is replaced by alanine, an amino acid with similar properties. This amino acid position is conserved. In addition, this alteration is predicted to be deleterious by in silico analysis. Based on the available evidence, the clinical significance of this variant remains unclear.